The following is an entry in ClinVar:

NM_021830.5(TWNK):c.1244-5T>G

Gene: TWNK (twinkle mtDNA helicase; plus strand). Cytogenetic location: 10q24.31.
Variant type: single nucleotide variant.
Coding change: c.1244-5T>G on transcript NM_021830.5 (MANE Select); 5 bases into the intron before coding-DNA position 1244, T replaced by G.
Molecular consequence: intron variant.
Genome position (GRCh38, 1-based): chr10:100,989,639, T>G. VCF-style: chr10-100989639-T-G. GRCh37 (hg19) VCF-style: chr10-102749396-T-G.
Other names: c.1244-5T>G (NM_001163812.2); c.-119-5T>G (NM_001163814.2, NM_001163813.2); c.-57-67T>G (NM_001368275.1).
Identifiers: ClinVar variation 1961010 (VCV001961010.5), dbSNP rs1214210620, ClinGen allele CA658907476.

ClinVar aggregate classification (germline): Uncertain significance (1 of 4 stars; one submission).

Allele frequency attached by ClinVar (database versions not stated): TOPMed below 0.00001; gnomAD 0.00001.

Submission:

Labcorp Genetics (formerly Invitae), Labcorp
Classification: Uncertain significance. Last evaluated: 2022-11-01. Review status: criteria provided, single submitter. Criteria: Invitae Variant Classification Sherloc (09022015). Collection method: clinical testing. Allele origin: germline.
Comment: In summary, the available evidence is currently insufficient to determine the role of this variant in disease. Therefore, it has been classified as a Variant of Uncertain Significance. Algorithms developed to predict the effect of sequence changes on RNA splicing suggest that this variant may disrupt the consensus splice site. This variant has not been reported in the literature in individuals affected with TWNK-related conditions. This variant is not present in population databases (gnomAD no frequency). This sequence change falls in intron 1 of the TWNK gene. It does not directly change the encoded amino acid sequence of the TWNK protein.